The following is an entry in ClinVar:

ClinVar aggregate classification (germline): Uncertain significance. Review status: criteria provided, multiple submitters, no conflicts (2 of 4 stars). 3 submissions from 3 submitters: Uncertain significance (3). Last evaluated 2025-12-19.

Conditions:
Hypertrophic cardiomyopathy 20. Identifiers: MedGen C3151267, MONDO:0013477, OMIM 613876.
Dilated cardiomyopathy 1CC (CMD1CC). Identifiers: Orphanet 154, MedGen C2751084, MONDO:0013147, OMIM 613122.
Cardiovascular phenotype. Identifiers: MedGen CN230736.

Allele frequency attached by ClinVar (database versions not stated): gnomAD 0.00002; TOPMed 0.00003.
gnomAD v4.1: 13 of 1,612,820 alleles (0.00081%); highest among the groups gnomAD compares: African/African-American, 0.012%; no homozygotes.

Submissions (3):

Women's Health and Genetics/Laboratory Corporation of America, LabCorp
Classification: Uncertain significance. Last evaluated: 2025-12-19. Review status: criteria provided, single submitter. Criteria: LabCorp Variant Classification Summary - May 2015. Collection method: clinical testing. Allele origin: germline.

Labcorp Genetics (formerly Invitae), Labcorp
Classification: Uncertain significance for Dilated cardiomyopathy 1CC; Hypertrophic cardiomyopathy 20. Last evaluated: 2025-12-15. Review status: criteria provided, single submitter. Criteria: Invitae Variant Classification Sherloc (09022015). Collection method: clinical testing. Allele origin: germline.
Comment: This sequence change replaces phenylalanine, which is neutral and non-polar, with valine, which is neutral and non-polar, at codon 344 of the NEXN protein (p.Phe344Val). This variant is present in population databases (no rsID available, gnomAD 0.007%). This variant has not been reported in the literature in individuals affected with NEXN-related conditions. ClinVar contains an entry for this variant (Variation ID: 1771136). Invitae Evidence Modeling of protein sequence and biophysical properties (such as structural, functional, and spatial information, amino acid conservation, physicochemical variation, residue mobility, and thermodynamic stability) has been performed for this missense variant. However, the output from this modeling did not meet the statistical confidence thresholds required to predict the impact of this variant on NEXN protein function. In summary, the available evidence is currently insufficient to determine the role of this variant in disease. Therefore, it has been classified as a Variant of Uncertain Significance.

Ambry Genetics
Classification: Uncertain significance for Cardiovascular phenotype. Last evaluated: 2025-11-03. Review status: criteria provided, single submitter. Criteria: Ambry Variant Classification Scheme 2023. Collection method: clinical testing. Allele origin: germline.

NM_144573.4(NEXN):c.1030T>G (p.Phe344Val)

Gene: NEXN (nexilin F-actin binding protein; plus strand). Cytogenetic location: 1p31.1.
Variant type: single nucleotide variant.
Coding change: c.1030T>G on transcript NM_144573.4 (MANE Select); coding-DNA position 1030, T replaced by G.
Protein change: p.Phe344Val; replaces phenylalanine 344 with valine.
Molecular consequence: missense variant.
Genome position (GRCh38, 1-based): chr1:77,929,481, T>G. VCF-style: chr1-77929481-T-G. GRCh37 (hg19) VCF-style: chr1-78395166-T-G.
Other names: c.838T>G, p.Phe280Val (NM_001172309.2); short protein forms F280V, F344V.
Identifiers: ClinVar variation 1771136 (VCV001771136.7), dbSNP rs748406664, ClinGen allele CA24681183.